The following is an entry in ClinVar:

ClinVar aggregate classification (germline): Uncertain significance (1 of 4 stars; one submission).

Conditions:
Imerslund-Grasbeck syndrome. Also called: PERNICIOUS ANEMIA, JUVENILE, DUE TO SELECTIVE INTESTINAL MALABSORPTION OF VITAMIN B12, WITH PROTEINURIA; Imerslund-Gräsbeck syndrome; Megaloblastic anemia due to inborn errors of metabolism; ENTEROCYTE COBALAMIN MALABSORPTION; ENTEROCYTE INTRINSIC FACTOR RECEPTOR, DEFECT OF. Identifiers: Orphanet 35858, MedGen C4551825, MONDO:0009853.

Allele frequency attached by ClinVar (database versions not stated): gnomAD exomes 0.00004.
gnomAD v4.1: 53 of 1,613,782 alleles (0.0033%); highest among the groups gnomAD compares: Non-Finnish European, 0.0044%; no homozygotes.

Submission:

Labcorp Genetics (formerly Invitae), Labcorp
Classification: Uncertain significance for Imerslund-Grasbeck syndrome. Last evaluated: 2022-02-10. Review status: criteria provided, single submitter. Criteria: Invitae Variant Classification Sherloc (09022015). Collection method: clinical testing. Allele origin: germline.
Comment: This sequence change replaces asparagine, which is neutral and polar, with histidine, which is basic and polar, at codon 3600 of the CUBN protein (p.Asn3600His). This variant is present in population databases (rs763168436, gnomAD 0.003%). In summary, the available evidence is currently insufficient to determine the role of this variant in disease. Therefore, it has been classified as a Variant of Uncertain Significance. Algorithms developed to predict the effect of missense changes on protein structure and function output the following: SIFT: "Tolerated"; PolyPhen-2: "Benign"; Align-GVGD: "Class C0". The histidine amino acid residue is found in multiple mammalian species, which suggests that this missense change does not adversely affect protein function. ClinVar contains an entry for this variant (Variation ID: 1006442). This variant has not been reported in the literature in individuals affected with CUBN-related conditions.

NM_001081.4(CUBN):c.10798A>C (p.Asn3600His)

Gene: CUBN (cubilin; minus strand). Cytogenetic location: 10p13.
Variant type: single nucleotide variant.
Coding change: c.10798A>C on transcript NM_001081.4 (MANE Select); coding-DNA position 10798, A replaced by C.
Protein change: p.Asn3600His; replaces asparagine 3600 with histidine.
Molecular consequence: missense variant.
Genome position (GRCh38, 1-based): chr10:16,825,049, T>G on the plus strand (A>C on the coding strand, the complement: CUBN is on the minus strand). VCF-style: chr10-16825049-T-G. GRCh37 (hg19) VCF-style: chr10-16867048-T-G.
Other names: short protein forms N3600H.
Identifiers: ClinVar variation 1006442 (VCV001006442.9), dbSNP rs763168436, ClinGen allele CA5422282.
Genomic context (GRCh38, chr10:16,825,049, plus strand): 5'-TTAATCGGAATGCGGATGGACGCCGTGCATAATCAGCATGAAATTTTATGAAGACCTGAT[T>G]TGAGGAAGCCACGAAGGGAGCTATGCTGGTGTCCTAAAATTGAAAAAAAAAGTATCCAAT-3'
Protein context (NP_001072.2, residues 3590-3610): TSIAPFVASS[Asn3600His]QVFIKFHADY